The following is an entry in ClinVar:

NM_001278116.2(L1CAM):c.2999G>A (p.Gly1000Asp)

Gene: L1CAM (L1 cell adhesion molecule; minus strand). Cytogenetic location: Xq28.
Variant type: single nucleotide variant.
Coding change: c.2999G>A on transcript NM_001278116.2 (MANE Select); coding-DNA position 2999, G replaced by A.
Protein change: p.Gly1000Asp; replaces glycine 1000 with aspartic acid.
Molecular consequence: missense variant.
Genome position (GRCh38, 1-based): chrX:153,864,868, C>T on the plus strand (G>A on the coding strand, the complement: L1CAM is on the minus strand). VCF-style: chrX-153864868-C-T. GRCh37 (hg19) VCF-style: chrX-153130323-C-T.
Other names: c.2999G>A, p.Gly1000Asp (NM_000425.5, NM_024003.3); c.2984G>A, p.Gly995Asp (NM_001143963.2); short protein forms G1000D, G995D.
Identifiers: ClinVar variation 1388836 (VCV001388836.6), dbSNP rs2148493606, ClinGen allele CA415113894.

ClinVar aggregate classification (germline): Uncertain significance (1 of 4 stars; one submission).

Conditions:
Spastic paraplegia. Identifiers: MedGen C0037772, HP:0001258.

Submission:

Labcorp Genetics (formerly Invitae), Labcorp
Classification: Uncertain significance for Spastic paraplegia. Last evaluated: 2021-10-23. Review status: criteria provided, single submitter. Criteria: Invitae Variant Classification Sherloc (09022015). Collection method: clinical testing. Allele origin: germline.
Comment: In summary, the available evidence is currently insufficient to determine the role of this variant in disease. Therefore, it has been classified as a Variant of Uncertain Significance. Advanced modeling of protein sequence and biophysical properties (such as structural, functional, and spatial information, amino acid conservation, physicochemical variation, residue mobility, and thermodynamic stability) performed at Invitae indicates that this missense variant is expected to disrupt L1CAM protein function. This variant has not been reported in the literature in individuals affected with L1CAM-related conditions. This variant is not present in population databases (ExAC no frequency). This sequence change replaces glycine with aspartic acid at codon 1000 of the L1CAM protein (p.Gly1000Asp). The glycine residue is highly conserved and there is a moderate physicochemical difference between glycine and aspartic acid.